The following is an entry in ClinVar:

NM_138387.4(G6PC3):c.323C>T (p.Pro108Leu)

Gene: G6PC3 (glucose-6-phosphatase catalytic subunit 3; plus strand). Cytogenetic location: 17q21.31.
Variant type: single nucleotide variant.
Coding change: c.323C>T on transcript NM_138387.4 (MANE Select); coding-DNA position 323, C replaced by T.
Protein change: p.Pro108Leu; replaces proline 108 with leucine.
Molecular consequence: missense variant. On other transcripts: 5 prime UTR variant (4).
Genome position (GRCh38, 1-based): chr17:44,074,264, C>T. VCF-style: chr17-44074264-C-T. GRCh37 (hg19) VCF-style: chr17-42151632-C-T.
Other names: c.323C>T, p.Pro108Leu (NM_001319945.2); c.-23C>T (NM_001384165.1, NM_001384166.1, NM_001384167.1 and 1 more transcripts); short protein forms P108L.
Identifiers: ClinVar variation 4620507 (VCV004620507.1).

ClinVar aggregate classification (germline): Uncertain significance (1 of 4 stars; one submission).

Conditions:
Inborn genetic diseases. Identifiers: MedGen C0950123, MeSH D030342.

Submission:

Ambry Genetics
Classification: Uncertain significance for Inborn genetic diseases. Last evaluated: 2025-10-28. Review status: criteria provided, single submitter. Criteria: Ambry Variant Classification Scheme 2023. Collection method: clinical testing. Allele origin: germline.
Comment: The p.P108L variant (also known as c.323C>T), located in coding exon 2 of the G6PC3 gene, results from a C to T substitution at nucleotide position 323. The proline at codon 108 is replaced by leucine, an amino acid with similar properties. This amino acid position is conserved. In addition, this alteration is predicted to be deleterious by in silico analysis. Based on the available evidence, the clinical significance of this variant remains unclear.